The following is an entry in ClinVar:

ClinVar aggregate classification (germline): Uncertain significance. Review status: criteria provided, multiple submitters, no conflicts (2 of 4 stars). 2 submissions from 2 submitters: Uncertain significance (2). Last evaluated 2025-06-07.

gnomAD v4.1: 6 of 1,210,085 alleles (0.0005%); highest among the groups gnomAD compares: Admixed American, 0.0022%; no homozygotes.

Submissions (2):

Labcorp Genetics (formerly Invitae), Labcorp
Classification: Uncertain significance. Last evaluated: 2025-06-07. Review status: criteria provided, single submitter. Criteria: Invitae Variant Classification Sherloc (09022015). Collection method: clinical testing. Allele origin: germline.
Comment: This sequence change replaces valine, which is neutral and non-polar, with isoleucine, which is neutral and non-polar, at codon 598 of the DRP2 protein (p.Val598Ile). This variant is present in population databases (no rsID available, gnomAD 0.001%). This variant has not been reported in the literature in individuals affected with DRP2-related conditions. ClinVar contains an entry for this variant (Variation ID: 3505286). Invitae Evidence Modeling of protein sequence and biophysical properties (such as structural, functional, and spatial information, amino acid conservation, physicochemical variation, residue mobility, and thermodynamic stability) indicates that this missense variant is not expected to disrupt DRP2 protein function with a negative predictive value of 80%. In summary, the available evidence is currently insufficient to determine the role of this variant in disease. Therefore, it has been classified as a Variant of Uncertain Significance.

Ambry Genetics
Classification: Uncertain significance. Last evaluated: 2024-11-09. Review status: criteria provided, single submitter. Criteria: Ambry Variant Classification Scheme 2023. Collection method: clinical testing. Allele origin: germline.

NM_001939.3(DRP2):c.1792G>A (p.Val598Ile)

Gene: DRP2 (dystrophin related protein 2; plus strand). Cytogenetic location: Xq22.1.
Variant type: single nucleotide variant.
Coding change: c.1792G>A on transcript NM_001939.3 (MANE Select); coding-DNA position 1792, G replaced by A.
Protein change: p.Val598Ile; replaces valine 598 with isoleucine.
Molecular consequence: missense variant.
Genome position (GRCh38, 1-based): chrX:101,251,010, G>A. VCF-style: chrX-101251010-G-A. GRCh37 (hg19) VCF-style: chrX-100505999-G-A.
Other names: c.1558G>A, p.Val520Ile (NM_001171184.2); short protein forms V598I, V520I.
Identifiers: ClinVar variation 3505286 (VCV003505286.2).